The following is an entry in ClinVar:

ClinVar aggregate classification (germline): Pathogenic. Review status: criteria provided, multiple submitters, no conflicts (2 of 4 stars). 2 submissions from 2 submitters: Pathogenic (2). Last evaluated 2024-10-15.

Conditions:
Hereditary cancer-predisposing syndrome. Also called: Neoplastic Syndromes, Hereditary; Tumor predisposition; Hereditary Cancer Syndrome; Hereditary neoplastic syndrome. Identifiers: Orphanet 140162, MedGen C0027672, MeSH D009386, MONDO:0015356.
Hereditary pheochromocytoma and paraganglioma. Also called: Hereditary paragangliomas and pheochromocytomas; Hereditary Paraganglioma-Pheochromocytoma Syndromes; Hereditary pheochromocytoma-paraganglioma. Identifiers: Orphanet 29072, MedGen C4274332, MONDO:0017366.

Allele frequency attached by ClinVar (database versions not stated): gnomAD exomes below 0.00001.
gnomAD v4.1: 2 of 1,609,342 alleles (0.00012%); highest among the groups gnomAD compares: Non-Finnish European, 0.00017%; no homozygotes.

Submissions (2):

Labcorp Genetics (formerly Invitae), Labcorp
Classification: Pathogenic for Hereditary pheochromocytoma and paraganglioma. Last evaluated: 2024-10-15. Review status: criteria provided, single submitter. Criteria: Invitae Variant Classification Sherloc (09022015). Collection method: clinical testing. Allele origin: germline.
Comment: This sequence change creates a premature translational stop signal (p.Gln64*) in the TMEM127 gene. It is expected to result in an absent or disrupted protein product. Loss-of-function variants in TMEM127 are known to be pathogenic (PMID: 20154675, 21156949). This variant is not present in population databases (gnomAD no frequency). This variant has not been reported in the literature in individuals affected with TMEM127-related conditions. For these reasons, this variant has been classified as Pathogenic.

Ambry Genetics
Classification: Pathogenic for Hereditary cancer-predisposing syndrome. Last evaluated: 2023-11-15. Review status: criteria provided, single submitter. Criteria: Ambry Variant Classification Scheme 2023. Collection method: clinical testing. Allele origin: germline.
Comment: The p.Q64* pathogenic mutation (also known as c.190C>T), located in coding exon 1 of the TMEM127 gene, results from a C to T substitution at nucleotide position 190. This changes the amino acid from a glutamine to a stop codon within coding exon 1. This variant is considered to be rare based on population cohorts in the Genome Aggregation Database (gnomAD). This alteration is expected to result in loss of function by premature protein truncation or nonsense-mediated mRNA decay. As such, this alteration is interpreted as a disease-causing mutation.

Literature cited by the submitters: PubMed 20154675 (cited by Labcorp Genetics (formerly Invitae), Labcorp); PubMed 21156949 (cited by Labcorp Genetics (formerly Invitae), Labcorp).

NM_017849.4(TMEM127):c.190C>T (p.Gln64Ter)

Gene: TMEM127 (transmembrane protein 127; minus strand). Cytogenetic location: 2q11.2.
Variant type: single nucleotide variant.
Coding change: c.190C>T on transcript NM_017849.4 (MANE Select); coding-DNA position 190, C replaced by T.
Protein change: p.Gln64Ter; replaces glutamine 64 with a stop codon.
Molecular consequence: nonsense. On other transcripts: intron variant (1).
Genome position (GRCh38, 1-based): chr2:96,265,192, G>A on the plus strand (C>T on the coding strand, the complement: TMEM127 is on the minus strand). VCF-style: chr2-96265192-G-A. GRCh37 (hg19) VCF-style: chr2-96930930-G-A.
Other names: c.190C>T, p.Gln64Ter (NM_001193304.3); c.-9+677C>T (NM_001407283.1); short protein forms Q64*.
Identifiers: ClinVar variation 3227066 (VCV003227066.3), dbSNP rs2104307480, ClinGen allele CA347655932.
Genomic context (GRCh38, chr2:96,265,192, plus strand): 5'-CCTCACCTTTCAGCAGGTCCGGGTGCACATAGCCCAACACGTCGGAGACCCCCAGCTCCT[G>A]GCGCGAACAGGTGCCTCCGTGGATGTGCAACCAGGCGGGCTCGGCGAGGGCAGTGCACAG-3'